The following is an entry in ClinVar:

ClinVar aggregate classification (germline): Uncertain significance (1 of 4 stars; one submission).

Conditions:
Hereditary cancer-predisposing syndrome. Also called: Hereditary neoplastic syndrome; Neoplastic Syndromes, Hereditary; Tumor predisposition; Hereditary Cancer Syndrome. Identifiers: Orphanet 140162, MedGen C0027672, MeSH D009386, MONDO:0015356.

Submission:

Ambry Genetics
Classification: Uncertain significance for Hereditary cancer-predisposing syndrome. Last evaluated: 2025-02-24. Review status: criteria provided, single submitter. Criteria: Ambry Variant Classification Scheme 2023. Collection method: clinical testing. Allele origin: germline.
Comment: The p.E97K variant (also known as c.289G>A), located in coding exon 3 of the XRCC2 gene, results from a G to A substitution at nucleotide position 289. The glutamic acid at codon 97 is replaced by lysine, an amino acid with similar properties. This amino acid position is conserved. In addition, the in silico prediction for this alteration is inconclusive. Based on the available evidence, the clinical significance of this variant remains unclear.

NM_005431.2(XRCC2):c.289G>A (p.Glu97Lys)

Gene: XRCC2 (X-ray repair cross complementing 2; minus strand). Cytogenetic location: 7q36.1.
Variant type: single nucleotide variant.
Coding change: c.289G>A on transcript NM_005431.2 (MANE Select); coding-DNA position 289, G replaced by A.
Protein change: p.Glu97Lys; replaces glutamic acid 97 with lysine.
Molecular consequence: missense variant.
Genome position (GRCh38, 1-based): chr7:152,649,196, C>T on the plus strand (G>A on the coding strand, the complement: XRCC2 is on the minus strand). VCF-style: chr7-152649196-C-T. GRCh37 (hg19) VCF-style: chr7-152346281-C-T.
Other names: short protein forms E97K.
Identifiers: ClinVar variation 3817848 (VCV003817848.1).
Genomic context (GRCh38, chr7:152,649,196, plus strand): 5'-AAAAAAATCTTCCCAGGCAGTATTTGATTATTTCTTCAGAGCTTTGGGATAGTCTGTGCT[C>T]AAGAATTGTAACTAGCCGGAGCATATCAAAGTGGTAATCTGTATCAATAAATAAGACTTC-3'
Protein context (NP_005422.1, residues 87-107): FDMLRLVTIL[Glu97Lys]HRLSQSSEEI